The following is an entry in ClinVar:

NM_007186.6(CEP250):c.257A>G (p.Gln86Arg)

Gene: CEP250 (centrosomal protein 250; plus strand). Cytogenetic location: 20q11.22.
Variant type: single nucleotide variant.
Coding change: c.257A>G on transcript NM_007186.6 (MANE Select); coding-DNA position 257, A replaced by G.
Protein change: p.Gln86Arg; replaces glutamine 86 with arginine.
Molecular consequence: missense variant. On other transcripts: 5 prime UTR variant (1).
Genome position (GRCh38, 1-based): chr20:35,465,756, A>G. VCF-style: chr20-35465756-A-G. GRCh37 (hg19) VCF-style: chr20-34053581-A-G.
Other names: c.-1643A>G (NM_001318219.1); short protein forms Q86R.
Identifiers: ClinVar variation 858067 (VCV000858067.8), dbSNP rs116101806, ClinGen allele CA9832573.

ClinVar aggregate classification (germline): Uncertain significance. Review status: criteria provided, multiple submitters, no conflicts (2 of 4 stars). 3 submissions from 3 submitters: Uncertain significance (3). Last evaluated 2026-04-27.

Conditions:
CEP250-related disorder. Also called: CEP250-related condition.

Allele frequency attached by ClinVar (database versions not stated): gnomAD exomes 0.00001 and 0.00004; ExAC 0.00008; gnomAD 0.00013 and 0.00015; TOPMed 0.00019; 1000 Genomes Project 30x 0.00062; 1000 Genomes Project 0.00080.
gnomAD v4.1: 40 of 1,605,288 alleles (0.0025%); highest among the groups gnomAD compares: African/African-American, 0.045%; no homozygotes.

Submissions (3):

PreventionGenetics, part of Exact Sciences
Classification: Uncertain significance for CEP250-related condition. Last evaluated: 2026-04-27. Review status: criteria provided, single submitter. Criteria: ACMG Guidelines, 2015. Collection method: clinical testing. Allele origin: germline.
Comment: The CEP250 c.257A>G variant is predicted to result in the amino acid substitution p.Gln86Arg. To our knowledge, this variant has not been reported in the literature. This variant is reported in 0.055% of alleles in individuals of African descent in gnomAD. Although we suspect that this variant may be benign, at this time, the clinical significance of this variant is uncertain due to the absence of conclusive functional and genetic evidence.

Labcorp Genetics (formerly Invitae), Labcorp
Classification: Uncertain significance. Last evaluated: 2023-05-29. Review status: criteria provided, single submitter. Criteria: Invitae Variant Classification Sherloc (09022015). Collection method: clinical testing. Allele origin: germline.
Comment: In summary, the available evidence is currently insufficient to determine the role of this variant in disease. Therefore, it has been classified as a Variant of Uncertain Significance. An algorithm developed to predict the effect of missense changes on protein structure and function (PolyPhen-2) suggests that this variant¬†is likely to be tolerated. ClinVar contains an entry for this variant (Variation ID: 858067). This variant has not been reported in the literature in individuals affected with CEP250-related conditions. This variant is present in population databases (rs116101806, gnomAD 0.06%). This sequence change replaces glutamine, which is neutral and polar, with arginine, which is basic and polar, at codon 86 of the CEP250 protein (p.Gln86Arg).

Blueprint Genetics
Classification: Uncertain significance. Last evaluated: 2022-09-02. Review status: criteria provided, single submitter. Criteria: ACMG Guidelines, 2015. Collection method: clinical testing. Allele origin: germline.